The following is an entry in ClinVar:

ClinVar aggregate classification (germline): Conflicting classifications of pathogenicity. Review status: criteria provided, conflicting classifications (1 of 4 stars). 11 submissions from 11 submitters: Pathogenic (5); Likely pathogenic (2); Uncertain significance (1). 3 of the submissions do not count toward it. Last evaluated 2026-04-01.

Conditions:
Retinitis pigmentosa 74 (RP74). Identifiers: Orphanet 791, MedGen C4225281, MONDO:0014692, OMIM 616562.
Bardet-Biedl syndrome 2 (BBS2). Identifiers: Orphanet 110, MedGen C2936863, MONDO:0014432, OMIM 615981.
BBS2-related disorder. Also called: BBS2-related condition; BBS2-related disorders. Identifiers: MedGen CN239228.
Bardet-biedl syndrome 2/4, digenic. Identifiers: MedGen C4016956.
Retinal dystrophy. Also called: Inherited retinal dystrophy. Identifiers: Orphanet 71862, MedGen C0854723, MeSH D058499, MONDO:0019118, HP:0000556.
Primary ciliary dyskinesia. Also called: Ciliary dyskinesia. Identifiers: Orphanet 244, MedGen C0008780, MONDO:0016575, HP:0012265.
Autosomal recessive retinitis pigmentosa. Identifiers: MedGen C0339526.
Bardet-Biedl syndrome (BBS). Identifiers: Orphanet 110, MedGen C0752166, MONDO:0015229.

Allele frequency attached by ClinVar (database versions not stated): ExAC 0.00002; TOPMed 0.00002; gnomAD 0.00003.
gnomAD v4.1: 25 of 1,613,986 alleles (0.0015%); highest among the groups gnomAD compares: African/African-American, 0.004%; no homozygotes.

Submissions (11):

Department of Human Genetics, Hannover Medical School
Classification: Uncertain significance for Primary Ciliary Dyskinesia. Last evaluated: 2026-04-01. Review status: criteria provided, single submitter. Criteria: ACMG Guidelines, 2015. Collection method: research. Allele origin: germline. Affected: no.
Comment: Classification performed by HerediClassify using the following criteria:['PM2_supporting: Variant occures does not occur as homozygous in gnomAD.', 'PM5_protein_moderate: The following ClinVar entries show an amino acid change in the same position as (likely) pathogenic: True.', 'PP3_protein_moderate: Variant is predicted to be pathogenic by REVEL with evidence strength moderate.']

Labcorp Genetics (formerly Invitae), Labcorp
Classification: Pathogenic for Bardet-Biedl syndrome. Last evaluated: 2026-01-04. Review status: criteria provided, single submitter. Criteria: Invitae Variant Classification Sherloc (09022015). Collection method: clinical testing. Allele origin: germline.
Comment: This sequence change replaces arginine, which is basic and polar, with tryptophan, which is neutral and slightly polar, at codon 315 of the BBS2 protein (p.Arg315Trp). This variant is present in population databases (rs121908178, gnomAD 0.008%). This missense change has been observed in individual(s) with Bardet-Biedl syndrome (PMID: 11567139, 27894351). ClinVar contains an entry for this variant (Variation ID: 4573). An algorithm developed to predict the effect of missense changes on protein structure and function (PolyPhen-2) suggests that this variant is likely to be disruptive. Experimental studies have shown that this missense change affects BBS2 function (PMID: 20498079). This variant disrupts the p.Arg315 amino acid residue in BBS2. Other variant(s) that disrupt this residue have been determined to be pathogenic (PMID: 20498079, 33777945, 33921607). This suggests that this residue is clinically significant, and that variants that disrupt this residue are likely to be disease-causing. For these reasons, this variant has been classified as Pathogenic.

PreventionGenetics, part of Exact Sciences
Classification: Likely pathogenic for BBS2-related condition. Last evaluated: 2025-06-06. Review status: criteria provided, single submitter. Criteria: ACMG Guidelines, 2015. Collection method: clinical testing. Allele origin: germline.
Comment: The BBS2 c.943C>T variant is predicted to result in the amino acid substitution p.Arg315Trp. This variant has been reported in the homozygous state in individuals with Bardet-Biedl syndrome (Katsanis et al. 2001. PubMed ID: 11567139; Supplemental S3, Shaheen et al. 2016. PubMed ID: 27894351). Functional analysis of this variant in a zebrafish model showed that the p.Arg315Trp variant lead to a defect in BBS2 function (Zaghloul et al. 2010. PubMed ID: 20498079). This variant is reported in 0.0080% of alleles in individuals of African descent in gnomAD. This variant is interpreted as likely pathogenic.

Natera, Inc.
Classification: Pathogenic for Bardet-Biedl syndrome type 2. Last evaluated: 2025-04-16. Review status: criteria provided, single submitter. Criteria: Natera Variant Classification Schema (03/2026). Collection method: clinical testing. Allele origin: germline.
Comment: The c.943C>T variant in BBS2 is a missense variant predicted to cause substitution of arginine to tryptophan at amino acid 315. This variant is rare in the general population with a frequency below the threshold expected for the associated phenotype(s). This variant has been observed in one or more individuals affected with the associated recessive disease, as either homozygous or compound heterozygous with a second variant (PMID: 35886001, 11567139, 38840299). Computational prediction algorithms indicate this variant is likely to affect gene or protein function. Given the available evidence, this variant is classified as Pathogenic.

3billion
Classification: Pathogenic for Retinitis pigmentosa 74. Last evaluated: 2024-10-23. Review status: criteria provided, single submitter. Criteria: ACMG Guidelines, 2015. Collection method: clinical testing. Allele origin: germline. Affected: yes.
Comment: The variant is observed at an extremely low frequency in the gnomAD v4.1.0 dataset (total allele frequency: 0.002%). Predicted Consequence/Location: Missense variant. The majority of the known disease-causing variants of this gene are variants expected to result in premature termination of the protein. In silico tool predictions suggest damaging effect of the variant on gene or gene product [REVEL: 0.92 (>=0.6, sensitivity 0.68 and specificity 0.92); 3Cnet: 0.98 (>=0.6, sensitivity 0.72 and precision 0.9)]. The same nucleotide change resulting in the same amino acid change has been previously reported as pathogenic/likely pathogenic with strong evidence (ClinVar ID: VCV000004573 /PMID: 11567139). The variant has been reported to be in trans with a pathogenic variant as either compound heterozygous or homozygous in at least one similarly affected unrelated individual (PMID: 11567139). A different missense change at the same codon (p.Arg315Gln) has been reported as pathogenic/likely pathogenic with strong evidence (ClinVar ID: VCV000555022 /PMID: 11567139). Therefore, this variant is classified as Pathogenic according to the recommendation of ACMG/AMP guideline.

Fulgent Genetics
Classification: Likely pathogenic for Bardet-Biedl syndrome 2; Retinitis pigmentosa 74. Last evaluated: 2024-03-12. Review status: criteria provided, single submitter. Criteria: ACMG Guidelines, 2015. Collection method: clinical testing. Allele origin: germline.

Baylor Genetics
Classification: Pathogenic for Bardet-Biedl syndrome 2. Last evaluated: 2024-01-04. Review status: criteria provided, single submitter. Criteria: ACMG Guidelines, 2015. Collection method: clinical testing. Allele origin: unknown.

Dept Of Ophthalmology, Nagoya University
Classification: Pathogenic for Retinal dystrophy. Last evaluated: 2023-10-01. Review status: criteria provided, single submitter. Criteria: Submitter's publication. Collection method: research. Allele origin: germline. Affected: yes.

Counsyl
Classification: Uncertain significance for Bardet-Biedl syndrome 2. Last evaluated: 2017-12-06. Review status: no assertion criteria provided. Collection method: clinical testing. Allele origin: unknown. Not counted in ClinVar's aggregate classification.

Faculty of Health Sciences, Beirut Arab University
Classification: Pathogenic for Autosomal recessive Retinitis Pigmentosa. Last evaluated: 2015-09-10. Review status: no assertion criteria provided. Collection method: literature only. Allele origin: germline. Affected: yes. Observed: 1 variant allele. Not counted in ClinVar's aggregate classification.

OMIM
Classification: Pathogenic for BARDET-BIEDL SYNDROME 2/4, DIGENIC. Last evaluated: 2001-09-21. Review status: no assertion criteria provided. Collection method: literature only. Allele origin: germline. Not counted in ClinVar's aggregate classification.

Literature cited by the submitters: PubMed 11567139 (cited by 5 submitters); PubMed 27894351 (cited by Labcorp Genetics (formerly Invitae), Labcorp and Counsyl); PubMed 20498079 (cited by Labcorp Genetics (formerly Invitae), Labcorp and Counsyl); PubMed 33777945 (cited by Labcorp Genetics (formerly Invitae), Labcorp); PubMed 33921607 (cited by Labcorp Genetics (formerly Invitae), Labcorp); PubMed 35886001 (cited by Natera, Inc.); PubMed 38840299 (cited by Natera, Inc.); PubMed 26355662 (cited by Faculty of Health Sciences, Beirut Arab University).

NM_031885.5(BBS2):c.943C>T (p.Arg315Trp)

Gene: BBS2 (Bardet-Biedl syndrome 2; minus strand). Cytogenetic location: 16q13.
Variant type: single nucleotide variant.
Coding change: c.943C>T on transcript NM_031885.5 (MANE Select); coding-DNA position 943, C replaced by T.
Protein change: p.Arg315Trp; replaces arginine 315 with tryptophan.
Molecular consequence: missense variant. On other transcripts: non-coding transcript variant (5).
Genome position (GRCh38, 1-based): chr16:56,502,454, G>A on the plus strand (C>T on the coding strand, the complement: BBS2 is on the minus strand). VCF-style: chr16-56502454-G-A. GRCh37 (hg19) VCF-style: chr16-56536366-G-A.
Other names: c.943C>T, p.Arg315Trp (NM_001377456.1); short protein forms R315W.
Identifiers: ClinVar variation 4573 (VCV000004573.22), dbSNP rs121908178, ClinGen allele CA116928.